The following is an entry in ClinVar:

NM_006516.4(SLC2A1):c.605T>C (p.Ile202Thr)

Gene: SLC2A1 (solute carrier family 2 member 1; minus strand). Cytogenetic location: 1p34.2.
Variant type: single nucleotide variant.
Coding change: c.605T>C on transcript NM_006516.4 (MANE Select); coding-DNA position 605, T replaced by C.
Protein change: p.Ile202Thr; replaces isoleucine 202 with threonine.
Molecular consequence: missense variant.
Genome position (GRCh38, 1-based): chr1:42,929,947, A>G on the plus strand (T>C on the coding strand, the complement: SLC2A1 is on the minus strand). VCF-style: chr1-42929947-A-G. GRCh37 (hg19) VCF-style: chr1-43395618-A-G.
Other names: short protein forms I202T.
Identifiers: ClinVar variation 2820453 (VCV002820453.3), dbSNP rs2524994001, ClinGen allele CA339958606.

ClinVar aggregate classification (germline): Uncertain significance (1 of 4 stars; one submission).

Conditions:
GLUT1 deficiency syndrome 1, autosomal recessive. Identifiers: MedGen C3149117.

Submission:

Labcorp Genetics (formerly Invitae), Labcorp
Classification: Uncertain significance for GLUT1 deficiency syndrome 1, autosomal recessive. Last evaluated: 2022-12-12. Review status: criteria provided, single submitter. Criteria: Invitae Variant Classification Sherloc (09022015). Collection method: clinical testing. Allele origin: germline.
Comment: This sequence change replaces isoleucine, which is neutral and non-polar, with threonine, which is neutral and polar, at codon 202 of the SLC2A1 protein (p.Ile202Thr). This variant is not present in population databases (gnomAD no frequency). This variant has not been reported in the literature in individuals affected with SLC2A1-related conditions. Algorithms developed to predict the effect of missense changes on protein structure and function (SIFT, PolyPhen-2, Align-GVGD) all suggest that this variant is likely to be tolerated. In summary, the available evidence is currently insufficient to determine the role of this variant in disease. Therefore, it has been classified as a Variant of Uncertain Significance.